The following is an entry in ClinVar:

NM_017654.4(SAMD9):c.1095T>A (p.Asp365Glu)

Gene: SAMD9 (sterile alpha motif domain containing 9; minus strand). Cytogenetic location: 7q21.2.
Variant type: single nucleotide variant.
Coding change: c.1095T>A on transcript NM_017654.4 (MANE Select); coding-DNA position 1095, T replaced by A.
Protein change: p.Asp365Glu; replaces aspartic acid 365 with glutamic acid.
Molecular consequence: missense variant.
Genome position (GRCh38, 1-based): chr7:93,105,003, A>T on the plus strand (T>A on the coding strand, the complement: SAMD9 is on the minus strand). VCF-style: chr7-93105003-A-T. GRCh37 (hg19) VCF-style: chr7-92734316-A-T.
Other names: c.1095T>A, p.Asp365Glu (NM_001193307.2); short protein forms D365E.
Identifiers: ClinVar variation 2756809 (VCV002756809.3), dbSNP rs2535361256, ClinGen allele CA368202178.
Genomic context (GRCh38, chr7:93,105,003, plus strand): 5'-ATTTGTTTTTGCTCTGAATTTTTCTTCTGCTGCTTTTCTGGACTCTGCCAGTGTTTTAAA[A>T]TCTGCTTTAAATGCTCTGAAATCAACTTTATTTTTCGTAATGTCCTTAGAGCTGGTCCCA-3'
Protein context (NP_060124.2, residues 355-375): NKVDFRAFKA[Asp365Glu]FKTLAESRKA

ClinVar aggregate classification (germline): Uncertain significance (1 of 4 stars; one submission).

Submission:

Labcorp Genetics (formerly Invitae), Labcorp
Classification: Uncertain significance. Last evaluated: 2023-12-30. Review status: criteria provided, single submitter. Criteria: Invitae Variant Classification Sherloc (09022015). Collection method: clinical testing. Allele origin: germline.
Comment: This sequence change replaces aspartic acid, which is acidic and polar, with glutamic acid, which is acidic and polar, at codon 365 of the SAMD9 protein (p.Asp365Glu). This variant is not present in population databases (gnomAD no frequency). This variant has not been reported in the literature in individuals affected with SAMD9-related conditions. Advanced modeling of protein sequence and biophysical properties (such as structural, functional, and spatial information, amino acid conservation, physicochemical variation, residue mobility, and thermodynamic stability) performed at Invitae indicates that this missense variant is not expected to disrupt SAMD9 protein function with a negative predictive value of 95%. In summary, the available evidence is currently insufficient to determine the role of this variant in disease. Therefore, it has been classified as a Variant of Uncertain Significance.